The following is an entry in ClinVar:

ClinVar aggregate classification (germline): Likely pathogenic (1 of 4 stars; one submission).

Conditions:
Anophthalmia/microphthalmia-esophageal atresia syndrome (MCOPS3). Also called: MICROPHTHALMIA AND ESOPHAGEAL ATRESIA SYNDROME; AEG SYNDROME; SOX2 Disorder. Identifiers: Orphanet 77298, MedGen C1859773, MONDO:0008799, OMIM 206900.

Submission:

3billion
Classification: Likely pathogenic for Anophthalmia/microphthalmia-esophageal atresia syndrome. Last evaluated: 2024-07-15. Review status: criteria provided, single submitter. Criteria: ACMG Guidelines, 2015. Collection method: clinical testing. Allele origin: germline. Affected: yes.
Comment: The variant is not observed in the gnomAD v4.0.0 dataset. Predicted Consequence/Location: Stop-gained (nonsense): predicted to result in a loss or disruption of normal protein function through protein truncation. Multiple pathogenic variants are reported in the predicted truncated region. The variant has been reported to be associated with SOX2-related disorder (PMID: 26633542). Therefore, this variant is classified as Pathogenic according to the recommendation of ACMG/AMP guideline.

Literature cited by the submitters: PubMed 26633542.

NM_003106.4(SOX2):c.583C>T (p.Gln195Ter)

Genes: SOX2-OT (SOX2 overlapping transcript; plus strand), SOX2 (SRY-box transcription factor 2; plus strand). Cytogenetic location: 3q26.33.
Variant type: single nucleotide variant.
Coding change: c.583C>T on transcript NM_003106.4 (MANE Select); coding-DNA position 583, C replaced by T.
Protein change: p.Gln195Ter; replaces glutamine 195 with a stop codon.
Molecular consequence: nonsense.
Genome position (GRCh38, 1-based): chr3:181,712,943, C>T. VCF-style: chr3-181712943-C-T. GRCh37 (hg19) VCF-style: chr3-181430731-C-T.
Other names: short protein forms Q195*.
Identifiers: ClinVar variation 4293348 (VCV004293348.1).